The following is an entry in ClinVar:

ClinVar aggregate classification (germline): Uncertain significance. Review status: criteria provided, multiple submitters, no conflicts (2 of 4 stars). 2 submissions from 2 submitters: Uncertain significance (2). Last evaluated 2025-12-28.

Conditions:
Inborn genetic diseases. Identifiers: MedGen C0950123, MeSH D030342.

Allele frequency attached by ClinVar (database versions not stated): gnomAD exomes below 0.00001; TOPMed 0.00001.
gnomAD v4.1: 2 of 1,613,464 alleles (0.00012%); highest among the groups gnomAD compares: Admixed American, 0.0033%; no homozygotes.

Submissions (2):

Labcorp Genetics (formerly Invitae), Labcorp
Classification: Uncertain significance. Last evaluated: 2025-12-28. Review status: criteria provided, single submitter. Criteria: Invitae Variant Classification Sherloc (09022015). Collection method: clinical testing. Allele origin: germline.
Comment: This sequence change replaces histidine, which is basic and polar, with arginine, which is basic and polar, at codon 574 of the MBD4 protein (p.His574Arg). This variant is present in population databases (rs370417942, gnomAD 0.003%). This variant has not been reported in the literature in individuals affected with MBD4-related conditions. ClinVar contains an entry for this variant (Variation ID: 2901762). An algorithm developed to predict the effect of missense changes on protein structure and function (PolyPhen-2) suggests that this variant is likely to be disruptive. In summary, the available evidence is currently insufficient to determine the role of this variant in disease. Therefore, it has been classified as a Variant of Uncertain Significance.

Ambry Genetics
Classification: Uncertain significance for Inborn genetic diseases. Last evaluated: 2024-11-24. Review status: criteria provided, single submitter. Criteria: Ambry Variant Classification Scheme 2023. Collection method: clinical testing. Allele origin: germline.
Comment: The p.H568R variant (also known as c.1703A>G), located in coding exon 8 of the MBD4 gene, results from an A to G substitution at nucleotide position 1703. The histidine at codon 568 is replaced by arginine, an amino acid with highly similar properties. This amino acid position is conserved. In addition, this alteration is predicted to be tolerated by in silico analysis. Based on the available evidence, the clinical significance of this variant remains unclear.

NM_001276270.2(MBD4):c.1703A>G (p.His568Arg)

Gene: MBD4 (methyl-CpG binding domain 4, DNA glycosylase; minus strand). Cytogenetic location: 3q21.3.
Variant type: single nucleotide variant.
Coding change: c.1703A>G on transcript NM_001276270.2 (MANE Select); coding-DNA position 1703, A replaced by G.
Protein change: p.His568Arg; replaces histidine 568 with arginine.
Molecular consequence: missense variant. On other transcripts: 3 prime UTR variant (1).
Genome position (GRCh38, 1-based): chr3:129,431,523, T>C on the plus strand (A>G on the coding strand, the complement: MBD4 is on the minus strand). VCF-style: chr3-129431523-T-C. GRCh37 (hg19) VCF-style: chr3-129150366-T-C.
Other names: c.*45A>G (NM_001276272.2); c.767A>G, p.His256Arg (NM_001276273.2); c.1721A>G, p.His574Arg (NM_003925.3); short protein forms H574R, H256R, H568R.
Identifiers: ClinVar variation 2901762 (VCV002901762.4), dbSNP rs370417942, ClinGen allele CA2605211.
Genomic context (GRCh38, chr3:129,431,523, plus strand): 5'-AAGCTATGCATAACAGATGAGCTTGAAAGCTGCAGAGTTTAAGATAGACTTAATTTTTCA[T>C]GATTTTCCCAAAGCCAGTCATGATATTTATTTAATTTGTGGTCTTCAGGGTGCACCTGGA-3'
Protein context (NP_001263199.1, residues 558-574): NKYHDWLWEN[His568Arg]EKLSLS